The following is an entry in ClinVar:

ClinVar aggregate classification (germline): Uncertain significance (1 of 4 stars; one submission).

Conditions:
Inborn genetic diseases. Identifiers: MedGen C0950123, MeSH D030342.

Submission:

Ambry Genetics
Classification: Uncertain significance for Inborn genetic diseases. Last evaluated: 2024-12-16. Review status: criteria provided, single submitter. Criteria: Ambry Variant Classification Scheme 2023. Collection method: clinical testing. Allele origin: germline.
Comment: The p.K1097T variant (also known as c.3290A>C), located in coding exon 1 of the SAMD9 gene, results from an A to C substitution at nucleotide position 3290. The lysine at codon 1097 is replaced by threonine, an amino acid with similar properties. This amino acid position is conserved. In addition, this alteration is predicted to be tolerated by in silico analysis. Based on the available evidence, the clinical significance of this variant remains unclear.

NM_017654.4(SAMD9):c.3290A>C (p.Lys1097Thr)

Gene: SAMD9 (sterile alpha motif domain containing 9; minus strand). Cytogenetic location: 7q21.2.
Variant type: single nucleotide variant.
Coding change: c.3290A>C on transcript NM_017654.4 (MANE Select); coding-DNA position 3290, A replaced by C.
Protein change: p.Lys1097Thr; replaces lysine 1097 with threonine.
Molecular consequence: missense variant.
Genome position (GRCh38, 1-based): chr7:93,102,808, T>G on the plus strand (A>C on the coding strand, the complement: SAMD9 is on the minus strand). VCF-style: chr7-93102808-T-G. GRCh37 (hg19) VCF-style: chr7-92732121-T-G.
Other names: c.3290A>C, p.Lys1097Thr (NM_001193307.2); short protein forms K1097T.
Identifiers: ClinVar variation 3791918 (VCV003791918.1).